The following is an entry in ClinVar:

ClinVar aggregate classification (germline): Uncertain significance (1 of 4 stars; one submission).

Submission:

Ambry Genetics
Classification: Uncertain significance. Last evaluated: 2024-03-29. Review status: criteria provided, single submitter. Criteria: Ambry Variant Classification Scheme 2023. Collection method: clinical testing. Allele origin: germline.
Comment: The p.P86S variant (also known as c.256C>T), located in coding exon 1 of the EGLN1 gene, results from a C to T substitution at nucleotide position 256. The proline at codon 86 is replaced by serine, an amino acid with similar properties. This amino acid position is conserved. In addition, this alteration is predicted to be tolerated by in silico analysis. Based on the available evidence, the clinical significance of this alteration remains unclear.

NM_022051.3(EGLN1):c.256C>T (p.Pro86Ser)

Gene: EGLN1 (egl-9 family hypoxia inducible factor 1; minus strand). Cytogenetic location: 1q42.2.
Variant type: single nucleotide variant.
Coding change: c.256C>T on transcript NM_022051.3 (MANE Select); coding-DNA position 256, C replaced by T.
Protein change: p.Pro86Ser; replaces proline 86 with serine.
Molecular consequence: missense variant.
Genome position (GRCh38, 1-based): chr1:231,421,633, G>A on the plus strand (C>T on the coding strand, the complement: EGLN1 is on the minus strand). VCF-style: chr1-231421633-G-A. GRCh37 (hg19) VCF-style: chr1-231557379-G-A.
Other names: c.256C>T, p.Pro86Ser (NM_001377260.1, NM_001377261.1); short protein forms P86S.
Identifiers: ClinVar variation 3274776 (VCV003274776.1).
Genomic context (GRCh38, chr1:231,421,633, plus strand): 5'-CCCCGGAGGCGTTGTCCCGGCGCGCCGCTGCCTTCCTGGGCTCCCGGGCCCCGGCCCTGG[G>A]CGGCGGCACTGCAGCCGGCGGCGCGGGGCCGGAATGCTGGTGTGGGCCCACTCCGTGGCC-3'
Protein context (NP_071334.1, residues 76-96): GPAPPAAVPP[Pro86Ser]RAGAREPRKA